The following is an entry in ClinVar:

ClinVar aggregate classification (germline): Uncertain significance (1 of 4 stars; one submission).

Allele frequency attached by ClinVar (database versions not stated): gnomAD exomes below 0.00001; ExAC 0.00001; TOPMed 0.00001; ESP Exome Variant Server 0.00008.
gnomAD v4.1: 1 of 1,614,222 alleles (0.000062%); highest among the groups gnomAD compares: Non-Finnish European, 0.000085%; no homozygotes.

Submission:

Labcorp Genetics (formerly Invitae), Labcorp
Classification: Uncertain significance. Last evaluated: 2022-12-02. Review status: criteria provided, single submitter. Criteria: Invitae Variant Classification Sherloc (09022015). Collection method: clinical testing. Allele origin: germline.
Comment: In summary, the available evidence is currently insufficient to determine the role of this variant in disease. Therefore, it has been classified as a Variant of Uncertain Significance. Algorithms developed to predict the effect of missense changes on protein structure and function (SIFT, PolyPhen-2, Align-GVGD) all suggest that this variant is likely to be tolerated. This variant has not been reported in the literature in individuals affected with KLF10-related conditions. This variant is not present in population databases (gnomAD no frequency). This sequence change replaces proline, which is neutral and non-polar, with leucine, which is neutral and non-polar, at codon 207 of the KLF10 protein (p.Pro207Leu).

NM_005655.4(KLF10):c.620C>T (p.Pro207Leu)

Gene: KLF10 (KLF transcription factor 10; minus strand). Cytogenetic location: 8q22.3.
Variant type: single nucleotide variant.
Coding change: c.620C>T on transcript NM_005655.4 (MANE Select); coding-DNA position 620, C replaced by T.
Protein change: p.Pro207Leu; replaces proline 207 with leucine.
Molecular consequence: missense variant.
Genome position (GRCh38, 1-based): chr8:102,651,712, G>A on the plus strand (C>T on the coding strand, the complement: KLF10 is on the minus strand). VCF-style: chr8-102651712-G-A. GRCh37 (hg19) VCF-style: chr8-103663940-G-A.
Other names: c.587C>T, p.Pro196Leu (NM_001032282.4); short protein forms P196L, P207L.
Identifiers: ClinVar variation 2716944 (VCV002716944.3), dbSNP rs377319557, ClinGen allele CA4833566.